The following is an entry in ClinVar:

NM_004787.4(SLIT2):c.2251G>C (p.Gly751Arg)

Gene: SLIT2 (slit guidance ligand 2; plus strand). Cytogenetic location: 4p15.31.
Variant type: single nucleotide variant.
Coding change: c.2251G>C on transcript NM_004787.4 (MANE Select); coding-DNA position 2251, G replaced by C.
Protein change: p.Gly751Arg; replaces glycine 751 with arginine.
Molecular consequence: missense variant.
Genome position (GRCh38, 1-based): chr4:20,542,601, G>C. VCF-style: chr4-20542601-G-C. GRCh37 (hg19) VCF-style: chr4-20544224-G-C.
Other names: c.2227G>C, p.Gly743Arg (NM_001289136.3); c.2239G>C, p.Gly747Arg (NM_001289135.3); short protein forms G751R, G743R, G747R.
Identifiers: ClinVar variation 2961044 (VCV002961044.3), dbSNP rs756623972, ClinGen allele CA356453813.
Genomic context (GRCh38, chr4:20,542,601, plus strand): 5'-TGTACTTGCTTGGATACAGTCGTCCGATGTAGCAACAAGGGTTTGAAGGTCTTGCCGAAA[G>C]GTATTCCAAGAGATGTCACAGAGTTGTAAGTAGAGCTTGTCTTTCTTTTCTTTTCTTTTT-3'
Protein context (NP_004778.1, residues 741-761): SNKGLKVLPK[Gly751Arg]IPRDVTELYL

ClinVar aggregate classification (germline): Uncertain significance (1 of 4 stars; one submission).

gnomAD v4.1: 1 of 1,613,764 alleles (0.000062%); highest among the groups gnomAD compares: Admixed American, 0.0017%; no homozygotes.

Submission:

Labcorp Genetics (formerly Invitae), Labcorp
Classification: Uncertain significance. Last evaluated: 2023-10-22. Review status: criteria provided, single submitter. Criteria: Invitae Variant Classification Sherloc (09022015). Collection method: clinical testing. Allele origin: germline.
Comment: This sequence change replaces glycine, which is neutral and non-polar, with arginine, which is basic and polar, at codon 751 of the SLIT2 protein (p.Gly751Arg). This variant is present in population databases (no rsID available, gnomAD 0.003%). This variant has not been reported in the literature in individuals affected with SLIT2-related conditions. An algorithm developed to predict the effect of missense changes on protein structure and function (PolyPhen-2) suggests that this variant is likely to be disruptive. In summary, the available evidence is currently insufficient to determine the role of this variant in disease. Therefore, it has been classified as a Variant of Uncertain Significance.